The following is an entry in ClinVar:

NM_004360.5(CDH1):c.824C>A (p.Ala275Asp)

Gene: CDH1 (cadherin 1; plus strand). Cytogenetic location: 16q22.1.
Variant type: single nucleotide variant.
Coding change: c.824C>A on transcript NM_004360.5 (MANE Select); coding-DNA position 824, C replaced by A.
Protein change: p.Ala275Asp; replaces alanine 275 with aspartic acid.
Molecular consequence: missense variant. On other transcripts: 5 prime UTR variant (2).
Genome position (GRCh38, 1-based): chr16:68,810,333, C>A. VCF-style: chr16-68810333-C-A. GRCh37 (hg19) VCF-style: chr16-68844236-C-A.
Other names: c.824C>A, p.Ala275Asp (NM_001317184.2); c.-792C>A (NM_001317185.2); c.-996C>A (NM_001317186.2); short protein forms A275D.
Identifiers: ClinVar variation 1502746 (VCV001502746.8), dbSNP rs2152131195, ClinGen allele CA396458982.
Genomic context (GRCh38, chr16:68,810,333, plus strand): 5'-AGAATGACAACAAGCCCGAATTCACCCAGGAGGTCTTTAAGGGGTCTGTCATGGAAGGTG[C>A]TCTTCCAGGTATATCCACTAATGAGAATCTGAATACTCAGAAAGACTCTTAGGTTCTTTG-3'
Protein context (NP_004351.1, residues 265-285): EVFKGSVMEG[Ala275Asp]LPGTSVMEVT

ClinVar aggregate classification (germline): Uncertain significance (1 of 4 stars; one submission).

Conditions:
Hereditary diffuse gastric adenocarcinoma (HDGC). Also called: DIFFUSE GASTRIC AND LOBULAR BREAST CANCER SYNDROME. Identifiers: Orphanet 26106, MedGen C1708349, MONDO:0007648, OMIM 137215.

Submission:

Labcorp Genetics (formerly Invitae), Labcorp
Classification: Uncertain significance for Hereditary diffuse gastric adenocarcinoma. Last evaluated: 2021-01-15. Review status: criteria provided, single submitter. Criteria: Invitae Variant Classification Sherloc (09022015). Collection method: clinical testing. Allele origin: germline.
Comment: This sequence change replaces alanine with aspartic acid at codon 275 of the CDH1 protein (p.Ala275Asp). The alanine residue is moderately conserved and there is a moderate physicochemical difference between alanine and aspartic acid. In summary, the available evidence is currently insufficient to determine the role of this variant in disease. Therefore, it has been classified as a Variant of Uncertain Significance. Algorithms developed to predict the effect of sequence changes on RNA splicing suggest that this variant may create or strengthen a splice site, but this prediction has not been confirmed by published transcriptional studies. Algorithms developed to predict the effect of missense changes on protein structure and function are either unavailable or do not agree on the potential impact of this missense change (SIFT: "Tolerated"; PolyPhen-2: "Probably Damaging"; Align-GVGD: "Class C0"). This variant has not been reported in the literature in individuals with CDH1-related conditions. This variant is not present in population databases (ExAC no frequency).